The following is an entry in ClinVar:

ClinVar aggregate classification (germline): Uncertain significance (1 of 4 stars; one submission).

Allele frequency attached by ClinVar (database versions not stated): gnomAD exomes below 0.00001; TOPMed 0.00002; gnomAD 0.00001; ExAC 0.00002.
gnomAD v4.1: 8 of 1,600,878 alleles (0.0005%); highest among the groups gnomAD compares: East Asian, 0.0023%; no homozygotes.

Submission:

Labcorp Genetics (formerly Invitae), Labcorp
Classification: Uncertain significance. Last evaluated: 2025-06-22. Review status: criteria provided, single submitter. Criteria: Invitae Variant Classification Sherloc (09022015). Collection method: clinical testing. Allele origin: germline.
Comment: This sequence change replaces arginine, which is basic and polar, with tryptophan, which is neutral and slightly polar, at codon 2827 of the DCHS1 protein (p.Arg2827Trp). The frequency data for this variant in the population databases is considered unreliable, as metrics indicate poor data quality at this position in the gnomAD database. This variant has not been reported in the literature in individuals affected with DCHS1-related conditions. ClinVar contains an entry for this variant (Variation ID: 2974448). Invitae Evidence Modeling of protein sequence and biophysical properties (such as structural, functional, and spatial information, amino acid conservation, physicochemical variation, residue mobility, and thermodynamic stability) indicates that this missense variant is expected to disrupt DCHS1 protein function with a positive predictive value of 80%. In summary, the available evidence is currently insufficient to determine the role of this variant in disease. Therefore, it has been classified as a Variant of Uncertain Significance.

NM_003737.4(DCHS1):c.8479C>T (p.Arg2827Trp)

Gene: DCHS1 (dachsous cadherin-related 1; minus strand). Cytogenetic location: 11p15.4.
Variant type: single nucleotide variant.
Coding change: c.8479C>T on transcript NM_003737.4 (MANE Select); coding-DNA position 8479, C replaced by T.
Protein change: p.Arg2827Trp; replaces arginine 2827 with tryptophan.
Molecular consequence: missense variant.
Genome position (GRCh38, 1-based): chr11:6,623,197, G>A on the plus strand (C>T on the coding strand, the complement: DCHS1 is on the minus strand). VCF-style: chr11-6623197-G-A. GRCh37 (hg19) VCF-style: chr11-6644428-G-A.
Other names: short protein forms R2827W.
Identifiers: ClinVar variation 2974448 (VCV002974448.3), dbSNP rs759199065, ClinGen allele CA5859411.
Genomic context (GRCh38, chr11:6,623,197, plus strand): 5'-GGCCATCGGCACCCCCATCCTCATCTGTGGCCTGCACGTGACCCAAGCTGTGGCCACGCC[G>A]GGCACCTTCGGGCACTTGGAAGTGGAAAGCTGGTGCCAGAAATACAGGGTCATACTCATC-3'
Protein context (NP_003728.1, residues 2817-2837): AFHFQVPEGA[Arg2827Trp]RGHSLGHVQA